The following is an entry in ClinVar:

ClinVar aggregate classification (germline): Uncertain significance (1 of 4 stars; one submission).

gnomAD v4.1: 1 of 1,614,018 alleles (0.000062%); no homozygotes.

Submission:

Women's Health and Genetics/Laboratory Corporation of America, LabCorp
Classification: Uncertain significance. Last evaluated: 2025-09-17. Review status: criteria provided, single submitter. Criteria: LabCorp Variant Classification Summary - May 2015. Collection method: clinical testing. Allele origin: germline.
Comment: Variant summary: CPS1 c.3162A>G (p.Ile1054Met) results in a conservative amino acid change in the encoded protein sequence. Algorithms developed to predict the effect of missense changes on protein structure and function are either unavailable or do not agree on the potential impact of this missense change. The variant allele was found at a frequency of 4e-06 in 251250 control chromosomes. The available data on variant occurrences in the general population are insufficient to allow any conclusion about variant significance. To our knowledge, no occurrence of c.3162A>G in individuals affected with CPS1-related conditions and no experimental evidence demonstrating its impact on protein function have been reported. No submitters have cited clinical-significance assessments for this variant to ClinVar. Based on the evidence outlined above, the variant was classified as uncertain significance.

NM_001875.5(CPS1):c.3162A>G (p.Ile1054Met)

Gene: CPS1 (carbamoyl-phosphate synthase 1; plus strand). Cytogenetic location: 2q34.
Variant type: single nucleotide variant.
Coding change: c.3162A>G on transcript NM_001875.5 (MANE Select); coding-DNA position 3162, A replaced by G.
Protein change: p.Ile1054Met; replaces isoleucine 1054 with methionine.
Molecular consequence: missense variant. On other transcripts: non-coding transcript variant (2).
Genome position (GRCh38, 1-based): chr2:210,647,883, A>G. VCF-style: chr2-210647883-A-G. GRCh37 (hg19) VCF-style: chr2-211512607-A-G.
Other names: c.3162A>G, p.Ile1054Met (NM_001122633.3, NM_001369257.1); c.3195A>G, p.Ile1065Met (NM_001369256.1); short protein forms I1054M, I1065M.
Identifiers: ClinVar variation 4536153 (VCV004536153.1).